The following is an entry in ClinVar:

NM_000239.3(LYZ):c.151A>T (p.Lys51Ter)

Gene: LYZ (lysozyme; plus strand). Cytogenetic location: 12q15.
Variant type: single nucleotide variant.
Coding change: c.151A>T on transcript NM_000239.3 (MANE Select); coding-DNA position 151, A replaced by T.
Protein change: p.Lys51Ter; replaces lysine 51 with a stop codon.
Molecular consequence: nonsense.
Genome position (GRCh38, 1-based): chr12:69,350,122, A>T. VCF-style: chr12-69350122-A-T. GRCh37 (hg19) VCF-style: chr12-69743902-A-T.
Other names: short protein forms K51*.
Identifiers: ClinVar variation 882899 (VCV000882899.5), dbSNP rs367682582, ClinGen allele CA6679728.
Genomic context (GRCh38, chr12:69,350,122, plus strand): 5'-AGTCACTTAGTGTTGCTGTTTATTACTAAAAATAAGTTCTTTTCAGGGATGTGTTTGGCC[A>T]AATGGGAGAGTGGTTACAACACACGAGCTACAAACTACAATGCTGGAGACAGAAGCACTG-3'

ClinVar aggregate classification (germline): Conflicting classifications of pathogenicity. Review status: criteria provided, conflicting classifications (1 of 4 stars). 2 submissions from 2 submitters: Uncertain significance (1); Benign (1). Last evaluated 2024-04-24.

Conditions:
Amyloidosis, hereditary systemic 5. Identifiers: MedGen C5935572, MONDO:0971009, OMIM 620658.
Familial visceral amyloidosis, Ostertag type (AMYLD2). Also called: AMYLOIDOSIS VIII; Amyloidosis, hepatic and systemic; AMYLOIDOSIS, HEREDITARY SYSTEMIC 2; Hereditary Renal Amyloidosis; Ostertag type amyloidosis; Familial visceral amyloidosis. Identifiers: Orphanet 85450, MedGen C0268389, MONDO:0007099, OMIM 105200.

Allele frequency attached by ClinVar (database versions not stated): ExAC 0.00002; gnomAD 0.00002; gnomAD exomes 0.00004; TOPMed 0.00005; ESP Exome Variant Server 0.00008.
gnomAD v4.1: 57 of 1,614,036 alleles (0.0035%); highest among the groups gnomAD compares: Admixed American, 0.012%; no homozygotes.

Submissions (2):

Fulgent Genetics
Classification: Uncertain significance for Amyloidosis, hereditary systemic 5. Last evaluated: 2024-04-24. Review status: criteria provided, single submitter. Criteria: ACMG Guidelines, 2015. Collection method: clinical testing. Allele origin: germline.

Illumina Laboratory Services, Illumina
Classification: Benign for Familial visceral amyloidosis, Ostertag type. Last evaluated: 2018-02-26. Review status: criteria provided, single submitter. Criteria: ICSL Variant Classification Criteria 13 December 2019. Collection method: clinical testing. Allele origin: germline.
Comment: This variant was observed in the ICSL laboratory as part of a predisposition screen in an ostensibly healthy population. It had not been previously curated by ICSL or reported in the Human Gene Mutation Database (HGMD: prior to June 1st, 2018), and was therefore a candidate for classification through an automated scoring system. Utilizing variant allele frequency, disease prevalence and penetrance estimates, and inheritance mode, an automated score was calculated to assess if this variant is too frequent to cause the disease. Based on the score and internal cut-off values, a variant classified as benign is not then subjected to further curation. The score for this variant resulted in a classification of benign for this disease.